The following is an entry in ClinVar:

ClinVar aggregate classification (germline): Uncertain significance (1 of 4 stars; one submission).

Conditions:
Cortical dysplasia-focal epilepsy syndrome (PTHSL1). Also called: Pitt-Hopkins-like syndrome 1. Identifiers: Orphanet 163681, Orphanet 221150, MedGen C2750246, MONDO:0012400, OMIM 610042.

Submission:

Labcorp Genetics (formerly Invitae), Labcorp
Classification: Uncertain significance for Cortical dysplasia-focal epilepsy syndrome. Last evaluated: 2020-11-26. Review status: criteria provided, single submitter. Criteria: Invitae Variant Classification Sherloc (09022015). Collection method: clinical testing. Allele origin: germline.
Comment: This variant, c.3932_3949del, results in the deletion of 6 amino acid(s) of the CNTNAP2 protein (p.Ile1311_Pro1316del), but otherwise preserves the integrity of the reading frame. This variant is not present in population databases (ExAC no frequency). This variant has not been reported in the literature in individuals with CNTNAP2-related conditions. Experimental studies and prediction algorithms are not available or were not evaluated, and the functional significance of this variant is currently unknown. In summary, the available evidence is currently insufficient to determine the role of this variant in disease. Therefore, it has been classified as a Variant of Uncertain Significance.

NM_014141.6(CNTNAP2):c.3932_3949del (p.Ile1311_Pro1316del)

Gene: CNTNAP2 (contactin associated protein 2; plus strand). Cytogenetic location: 7q36.1.
Variant type: Deletion.
Coding change: c.3932_3949del on transcript NM_014141.6 (MANE Select); coding-DNA positions 3932 to 3949, 18 bases deleted (TCATGAACAACGACCCCA).
Protein change: p.Ile1311_Pro1316del.
Molecular consequence: inframe deletion.
Genome position (GRCh38, 1-based): chr7:148,415,552-148,415,569, TCATGAACAACGACCCCA deleted; deleting any 18 consecutive bases within chr7:148,415,549-148,415,569 gives the same sequence; the c. name uses the placement nearest the transcript's 3' end. VCF-style (leftmost placement, unchanged base first): chr7-148415548-GCCATCATGAACAACGACC-G. GRCh37 (hg19) VCF-style: chr7-148112640-GCCATCATGAACAACGACC-G.
Identifiers: ClinVar variation 1351739 (VCV001351739.8), dbSNP rs1799965374, ClinGen allele CA1751242081.